The following is an entry in ClinVar:

ClinVar aggregate classification (germline): Uncertain significance. Review status: criteria provided, multiple submitters, no conflicts (2 of 4 stars). 2 submissions from 2 submitters: Uncertain significance (2). Last evaluated 2025-09-04.

Allele frequency attached by ClinVar (database versions not stated): TOPMed below 0.00001; gnomAD 0.00001; ExAC 0.00002; gnomAD exomes 0.00003.
gnomAD v4.1: 24 of 1,610,226 alleles (0.0015%); highest among the groups gnomAD compares: East Asian, 0.018%; no homozygotes.

Submissions (2):

Women's Health and Genetics/Laboratory Corporation of America, LabCorp
Classification: Uncertain significance. Last evaluated: 2025-09-04. Review status: criteria provided, single submitter. Criteria: LabCorp Variant Classification Summary - May 2015. Collection method: clinical testing. Allele origin: germline.
Comment: Variant summary: TTN c.22763T>C (p.Ile7588Thr) (also known as NM_001267550:c.26495T>C (p.Ile8832Thr) results in a non-conservative amino acid change located in the I-band region of the encoded protein sequence. Algorithms developed to predict the effect of missense changes on protein structure and function all suggest that this variant is likely to be disruptive. The variant allele was found at a frequency of 3.3e-05 in 245902 control chromosomes in the gnomAD database. The available data on variant occurrences in the general population are insufficient to allow any conclusion about variant significance. To our knowledge, no occurrence of c.22763T>C in individuals affected with TTN-related conditions and no experimental evidence demonstrating its impact on protein function have been reported. ClinVar contains an entry for this variant (Variation ID: 1175982). Based on the evidence outlined above, the variant was classified as uncertain significance.

CeGaT Center for Human Genetics Tuebingen
Classification: Uncertain significance. Last evaluated: 2022-09-01. Review status: criteria provided, single submitter. Criteria: CeGaT Center For Human Genetics Tuebingen Variant Classification Criteria Version 2. Collection method: clinical testing. Allele origin: germline. Affected: yes. Observed: 2 variant alleles.
Comment: TTN: PM2

NM_001267550.2(TTN):c.26495T>C (p.Ile8832Thr)

Gene: TTN (titin; minus strand). Cytogenetic location: 2q31.2.
Variant type: single nucleotide variant.
Coding change: c.26495T>C on transcript NM_001267550.2 (MANE Select); coding-DNA position 26495, T replaced by C.
Protein change: p.Ile8832Thr; replaces isoleucine 8832 with threonine.
Molecular consequence: missense variant. On other transcripts: intron variant (3).
Genome position (GRCh38, 1-based): chr2:178,714,163, A>G on the plus strand (T>C on the coding strand, the complement: TTN is on the minus strand). VCF-style: chr2-178714163-A-G. GRCh37 (hg19) VCF-style: chr2-179578890-A-G.
Other names: c.25544T>C, p.Ile8515Thr (NM_001256850.1); c.22763T>C, p.Ile7588Thr (NM_133378.4); c.13282+23919T>C (NM_003319.4); c.13858+23919T>C (NM_133437.4); c.13657+23919T>C (NM_133432.3); short protein forms I7588T, I8515T, I8832T.
Identifiers: ClinVar variation 1175982 (VCV001175982.35), dbSNP rs748198284, ClinGen allele CA1999979.